The following is an entry in ClinVar:

NM_005902.4(SMAD3):c.1179C>T (p.Pro393=)

Gene: SMAD3 (SMAD family member 3; plus strand). Cytogenetic location: 15q22.33.
Variant type: single nucleotide variant.
Coding change: c.1179C>T on transcript NM_005902.4 (MANE Select); coding-DNA position 1179, C replaced by T.
Protein change: p.Pro393=; no amino-acid change (proline 393 retained).
Molecular consequence: synonymous variant.
Genome position (GRCh38, 1-based): chr15:67,190,437, C>T. VCF-style: chr15-67190437-C-T. GRCh37 (hg19) VCF-style: chr15-67482775-C-T.
Other names: c.864C>T, p.Pro288= (NM_001145102.2); c.1047C>T, p.Pro349= (NM_001145103.2); c.594C>T, p.Pro198= (NM_001145104.2).
Identifiers: ClinVar variation 1332571 (VCV001332571.7), dbSNP rs2140327732, ClinGen allele CA490919279.

ClinVar aggregate classification (germline): Likely benign. Review status: criteria provided, multiple submitters, no conflicts (2 of 4 stars). 3 submissions from 3 submitters: Likely benign (3). Last evaluated 2024-05-30.

Conditions:
Aneurysm-osteoarthritis syndrome. Also called: LOEYS-DIETZ SYNDROME WITH OSTEOARTHRITIS; SMAD3-Related Loeys-Dietz Syndrome; ANEURYSMS-OSTEOARTHRITIS SYNDROME; Loeys-Dietz syndrome, type 1C. Identifiers: Orphanet 284984, MedGen C3151087, MONDO:0013426, OMIM 613795.
Familial thoracic aortic aneurysm and aortic dissection (TAAD). Also called: Thoracic aortic aneurysms and dissections. Identifiers: Orphanet 91387, MedGen C4707243, MONDO:0019625.

Allele frequency attached by ClinVar (database versions not stated): gnomAD exomes below 0.00001.
gnomAD v4.1: 2 of 1,614,142 alleles (0.00012%); highest among the groups gnomAD compares: Non-Finnish European, 0.00017%; no homozygotes.

Submissions (3):

All of Us Research Program, National Institutes of Health
Classification: Likely benign for Aneurysm-osteoarthritis syndrome. Last evaluated: 2024-05-30. Review status: criteria provided, single submitter. Criteria: ACMG Guidelines, 2015. Collection method: clinical testing. Allele origin: germline. Inheritance: Autosomal dominant inheritance. Observed: 2 variant alleles, 2 heterozygotes.
Comment: This study involves interpretation of variants in research participants for the purpose of population health screening. Participant phenotype was not available at the time of variant classification. Additional details can be found in publication PMID: 35346344, PMCID: PMC8962531

Labcorp Genetics (formerly Invitae), Labcorp
Classification: Likely benign for Familial thoracic aortic aneurysm and aortic dissection. Last evaluated: 2023-04-13. Review status: criteria provided, single submitter. Criteria: Invitae Variant Classification Sherloc (09022015). Collection method: clinical testing. Allele origin: germline.

Color Diagnostics, LLC DBA Color Health
Classification: Likely benign for Familial thoracic aortic aneurysm and aortic dissection. Last evaluated: 2021-05-17. Review status: criteria provided, single submitter. Criteria: ACMG Guidelines, 2015. Collection method: clinical testing. Allele origin: germline.